The following is an entry in ClinVar:

NM_014956.5(CEP164):c.1421C>T (p.Pro474Leu)

Gene: CEP164 (centrosomal protein 164; plus strand). Cytogenetic location: 11q23.3.
Variant type: single nucleotide variant.
Coding change: c.1421C>T on transcript NM_014956.5 (MANE Select); coding-DNA position 1421, C replaced by T.
Protein change: p.Pro474Leu; replaces proline 474 with leucine.
Molecular consequence: missense variant.
Genome position (GRCh38, 1-based): chr11:117,381,712, C>T. VCF-style: chr11-117381712-C-T. GRCh37 (hg19) VCF-style: chr11-117252428-C-T.
Other names: c.1430C>T, p.Pro477Leu (NM_001271933.2); short protein forms P477L, P474L.
Identifiers: ClinVar variation 2098678 (VCV002098678.4), dbSNP rs2136139039, ClinGen allele CA382742077.

ClinVar aggregate classification (germline): Uncertain significance (1 of 4 stars; one submission).

Conditions:
Nephronophthisis 15 (NPHP15). Identifiers: Orphanet 3156, MedGen C3541853, MONDO:0013917, OMIM 614845.

Submission:

Labcorp Genetics (formerly Invitae), Labcorp
Classification: Uncertain significance for Nephronophthisis 15. Last evaluated: 2022-02-18. Review status: criteria provided, single submitter. Criteria: Invitae Variant Classification Sherloc (09022015). Collection method: clinical testing. Allele origin: germline.
Comment: In summary, the available evidence is currently insufficient to determine the role of this variant in disease. Therefore, it has been classified as a Variant of Uncertain Significance. Algorithms developed to predict the effect of missense changes on protein structure and function output the following: SIFT: "Deleterious"; PolyPhen-2: "Benign"; Align-GVGD: "Class C0". The leucine amino acid residue is found in multiple mammalian species, which suggests that this missense change does not adversely affect protein function. This variant has not been reported in the literature in individuals affected with CEP164-related conditions. This variant is not present in population databases (gnomAD no frequency). This sequence change replaces proline, which is neutral and non-polar, with leucine, which is neutral and non-polar, at codon 474 of the CEP164 protein (p.Pro474Leu).